The following is an entry in ClinVar:

NM_000936.4(PNLIP):c.421G>A (p.Val141Met)

Gene: PNLIP (pancreatic lipase; plus strand). Cytogenetic location: 10q25.3.
Variant type: single nucleotide variant.
Coding change: c.421G>A on transcript NM_000936.4 (MANE Select); coding-DNA position 421, G replaced by A.
Protein change: p.Val141Met; replaces valine 141 with methionine.
Molecular consequence: missense variant.
Genome position (GRCh38, 1-based): chr10:116,551,194, G>A. VCF-style: chr10-116551194-G-A. GRCh37 (hg19) VCF-style: chr10-118310706-G-A.
Other names: short protein forms V141M.
Identifiers: ClinVar variation 2872990 (VCV002872990.3), dbSNP rs775944341, ClinGen allele CA5706468.

ClinVar aggregate classification (germline): Uncertain significance (1 of 4 stars; one submission).

Allele frequency attached by ClinVar (database versions not stated): gnomAD 0.00001; TOPMed 0.00001; ExAC 0.00002; gnomAD exomes 0.00002.
gnomAD v4.1: 29 of 1,611,704 alleles (0.0018%); highest among the groups gnomAD compares: South Asian, 0.019%; no homozygotes.

Submission:

Labcorp Genetics (formerly Invitae), Labcorp
Classification: Uncertain significance. Last evaluated: 2023-03-14. Review status: criteria provided, single submitter. Criteria: Invitae Variant Classification Sherloc (09022015). Collection method: clinical testing. Allele origin: germline.
Comment: In summary, the available evidence is currently insufficient to determine the role of this variant in disease. Therefore, it has been classified as a Variant of Uncertain Significance. This sequence change replaces valine, which is neutral and non-polar, with methionine, which is neutral and non-polar, at codon 141 of the PNLIP protein (p.Val141Met). This variant is present in population databases (rs775944341, gnomAD 0.01%). This variant has not been reported in the literature in individuals affected with PNLIP-related conditions. Advanced modeling of protein sequence and biophysical properties (such as structural, functional, and spatial information, amino acid conservation, physicochemical variation, residue mobility, and thermodynamic stability) performed at Invitae indicates that this missense variant is expected to disrupt PNLIP protein function.